The following is an entry in ClinVar:

NM_001386298.1(CIC):c.3295C>T (p.Arg1099Cys)

Gene: CIC (capicua transcriptional repressor; plus strand). Cytogenetic location: 19q13.2.
Variant type: single nucleotide variant.
Coding change: c.3295C>T on transcript NM_001386298.1 (MANE Select); coding-DNA position 3295, C replaced by T.
Protein change: p.Arg1099Cys; replaces arginine 1099 with cysteine.
Molecular consequence: missense variant.
Genome position (GRCh38, 1-based): chr19:42,287,435, C>T. VCF-style: chr19-42287435-C-T. GRCh37 (hg19) VCF-style: chr19-42791587-C-T.
Other names: c.3295C>T, p.Arg1099Cys (NM_001304815.2, NM_001379480.1, NM_001379482.1); c.568C>T, p.Arg190Cys (NM_001379484.1, NM_001379485.1, NM_015125.5); short protein forms R1099C, R190C.
Identifiers: ClinVar variation 931250 (VCV000931250.3), dbSNP rs767502801, ClinGen allele CA9471748.

ClinVar aggregate classification (germline): Uncertain significance (1 of 4 stars; one submission).

Conditions:
Intellectual developmental disorder, autosomal dominant 45. Also called: MENTAL RETARDATION, AUTOSOMAL DOMINANT 45; Intellectual disability, autosomal dominant 45. Identifiers: MedGen C4539848, MONDO:0030910, OMIM 617600.

Allele frequency attached by ClinVar (database versions not stated): gnomAD exomes below 0.00001; TOPMed below 0.00001; ExAC 0.00001.
gnomAD v4.1: 6 of 1,613,606 alleles (0.00037%); highest among the groups gnomAD compares: South Asian, 0.0022%; no homozygotes.

Submission:

Centre for Mendelian Genomics, University Medical Centre Ljubljana
Classification: Uncertain significance for Intellectual developmental disorder, autosomal dominant 45. Last evaluated: 2020-01-29. Review status: criteria provided, single submitter. Criteria: ACMG Guidelines, 2015. Collection method: clinical testing. Allele origin: unknown. Affected: yes.
Comment: This variant was classified as: Uncertain significance. The available evidence on this variant's pathogenicity is insufficient or conflicting. The following ACMG criteria were applied in classifying this variant: PP3.